The following is an entry in ClinVar:

ClinVar aggregate classification (germline): Likely benign (1 of 4 stars; one submission).

Submission:

CeGaT Center for Human Genetics Tuebingen
Classification: Likely benign. Last evaluated: 2023-08-01. Review status: criteria provided, single submitter. Criteria: CeGaT Center For Human Genetics Tuebingen Variant Classification Criteria Version 2. Collection method: clinical testing. Allele origin: germline. Affected: yes. Observed: 1 variant allele.
Comment: ANKRD36: PM2:Supporting, BP4, BP7

NM_001354587.1(ANKRD36):c.4443C>T (p.Leu1481=)

Gene: ANKRD36 (ankyrin repeat domain 36; plus strand). Cytogenetic location: 2q11.2.
Variant type: single nucleotide variant.
Coding change: c.4443C>T on transcript NM_001354587.1 (MANE Select); coding-DNA position 4443, C replaced by T.
Protein change: p.Leu1481=; no amino-acid change (leucine 1481 retained).
Molecular consequence: synonymous variant.
Genome position (GRCh38, 1-based): chr2:97,243,981, C>T. VCF-style: chr2-97243981-C-T. GRCh37 (hg19) VCF-style: chr2-97909718-C-T.
Identifiers: ClinVar variation 2651165 (VCV002651165.24), dbSNP rs1351647338, ClinGen allele CA427552729.